The following is an entry in ClinVar:

NM_000352.6(ABCC8):c.1766C>T (p.Pro589Leu)

Gene: ABCC8 (ATP binding cassette subfamily C member 8; minus strand). Cytogenetic location: 11p15.1.
Variant type: single nucleotide variant.
Coding change: c.1766C>T on transcript NM_000352.6 (MANE Select); coding-DNA position 1766, C replaced by T.
Protein change: p.Pro589Leu; replaces proline 589 with leucine.
Molecular consequence: missense variant. On other transcripts: non-coding transcript variant (1).
Genome position (GRCh38, 1-based): chr11:17,430,865, G>A on the plus strand (C>T on the coding strand, the complement: ABCC8 is on the minus strand). VCF-style: chr11-17430865-G-A. GRCh37 (hg19) VCF-style: chr11-17452412-G-A.
Other names: c.1766C>T (NM_000352.5, NM_000352.4); c.1766C>T, p.Pro589Leu (NM_001287174.3, NM_001351295.2); c.1763C>T, p.Pro588Leu (NM_001351296.2, NM_001351297.2); short protein forms P589L, P588L.
Identifiers: ClinVar variation 1516993 (VCV001516993.9), dbSNP rs1955814875, ClinGen allele CA379816958.

ClinVar aggregate classification (germline): Uncertain significance. Review status: criteria provided, multiple submitters, no conflicts (2 of 4 stars). 4 submissions from 4 submitters: Uncertain significance (4). Last evaluated 2026-06-11.

Conditions:
ABCC8-related disorder.
Diabetes mellitus, permanent neonatal 3. Also called: ABCC8-Related Permanent Neonatal Diabetes Mellitus. Identifiers: MedGen C5394303, MONDO:0030088, OMIM 618857.
Type 2 diabetes mellitus. Also called: Type II diabetes mellitus. Identifiers: MedGen C0011860, MeSH D003924, MONDO:0005148, OMIM 125853, HP:0005978.
Leucine-induced hypoglycemia (LIH). Also called: LEUCINE-SENSITIVE HYPOGLYCEMIA OF INFANCY. Identifiers: MedGen C0271714, MONDO:0009415, OMIM 240800.
Hyperinsulinemic hypoglycemia, familial, 1 (HHF1). Also called: Persistent hyperinsulinemic hypoglycemia of infancy; Persistent Hyperinsulinemia Hypoglycemia of Infancy; HYPERINSULINISM, FAMILIAL, WITH PANCREATIC NESIDIOBLASTOSIS; HYPOGLYCEMIA, HYPERINSULINEMIC, OF INFANCY; NESIDIOBLASTOSIS OF PANCREAS. Identifiers: Orphanet 276575, Orphanet 276598, MedGen C2931832, MONDO:0009734, OMIM 256450.
Diabetes mellitus, transient neonatal, 2 (TNDM2). Identifiers: Orphanet 99886, MedGen C1835887, MONDO:0012480, OMIM 610374. Disease mechanism: loss of function.

Allele frequency attached by ClinVar (database versions not stated): gnomAD exomes below 0.00001; TOPMed below 0.00001.
gnomAD v4.1: 5 of 1,614,234 alleles (0.00031%); highest among the groups gnomAD compares: Non-Finnish European, 0.00042%; no homozygotes.

Submissions (4):

PreventionGenetics, part of Exact Sciences
Classification: Uncertain significance for ABCC8-related condition. Last evaluated: 2026-06-11. Review status: criteria provided, single submitter. Criteria: ACMG Guidelines, 2015. Collection method: clinical testing. Allele origin: germline.
Comment: The ABCC8 c.1766C>T variant is predicted to result in the amino acid substitution p.Pro589Leu. To our knowledge, this variant has not been reported in the literature or in a large population database (gnomAD), indicating this variant is rare. At this time, the clinical significance of this variant is uncertain due to the absence of conclusive functional and genetic evidence.

Labcorp Genetics (formerly Invitae), Labcorp
Classification: Uncertain significance. Last evaluated: 2024-10-15. Review status: criteria provided, single submitter. Criteria: Invitae Variant Classification Sherloc (09022015). Collection method: clinical testing. Allele origin: germline.
Comment: This sequence change replaces proline, which is neutral and non-polar, with leucine, which is neutral and non-polar, at codon 589 of the ABCC8 protein (p.Pro589Leu). This variant is not present in population databases (gnomAD no frequency). This variant has not been reported in the literature in individuals affected with ABCC8-related conditions. ClinVar contains an entry for this variant (Variation ID: 1516993). Invitae Evidence Modeling of protein sequence and biophysical properties (such as structural, functional, and spatial information, amino acid conservation, physicochemical variation, residue mobility, and thermodynamic stability) indicates that this missense variant is expected to disrupt ABCC8 protein function with a positive predictive value of 95%. In summary, the available evidence is currently insufficient to determine the role of this variant in disease. Therefore, it has been classified as a Variant of Uncertain Significance.

Fulgent Genetics
Classification: Uncertain significance for Type 2 diabetes mellitus; Leucine-induced hypoglycemia; Hyperinsulinemic hypoglycemia, familial, 1; Diabetes mellitus, transient neonatal, 2; Diabetes mellitus, permanent neonatal 3. Last evaluated: 2022-05-31. Review status: criteria provided, single submitter. Criteria: ACMG Guidelines, 2015. Collection method: clinical testing. Allele origin: unknown.

Revvity Omics, Revvity
Classification: Uncertain significance. Last evaluated: 2022-02-28. Review status: criteria provided, single submitter. Criteria: ACMG Guidelines, 2015. Collection method: clinical testing. Allele origin: germline.